The following is an entry in ClinVar:

NM_006019.4(TCIRG1):c.242C>T (p.Pro81Leu)

Gene: TCIRG1 (T cell immune regulator 1, ATPase H+ transporting V0 subunit a3; plus strand). Cytogenetic location: 11q13.2.
Variant type: single nucleotide variant.
Coding change: c.242C>T on transcript NM_006019.4 (MANE Select); coding-DNA position 242, C replaced by T.
Protein change: p.Pro81Leu; replaces proline 81 with leucine.
Molecular consequence: missense variant. On other transcripts: 5 prime UTR variant (1).
Genome position (GRCh38, 1-based): chr11:68,042,688, C>T. VCF-style: chr11-68042688-C-T. GRCh37 (hg19) VCF-style: chr11-67810155-C-T.
Other names: c.-1008C>T (NM_001351059.2); c.242C>T (NM_006019.3); short protein forms P81L.
Identifiers: ClinVar variation 2173280 (VCV002173280.4), dbSNP rs375348720, ClinGen allele CA224202807.
Genomic context (GRCh38, chr11:68,042,688, plus strand): 5'-TTCCTCTGCGCCCAGCCTTCCTGCAGGAGGAGGTGCGGCGGGCTGGGCTGGTCCTGCCCC[C>T]GCCAAAGGGGAGGCTGCCGGCACCCCCACCCCGGGACCTGCTGCGCATCCAGGAGGAGAC-3'
Protein context (NP_006010.2, residues 71-91): EVRRAGLVLP[Pro81Leu]PKGRLPAPPP

ClinVar aggregate classification (germline): Uncertain significance. Review status: criteria provided, multiple submitters, no conflicts (2 of 4 stars). 2 submissions from 2 submitters: Uncertain significance (2). Last evaluated 2026-02-02.

Allele frequency attached by ClinVar (database versions not stated): gnomAD 0.00001; gnomAD exomes 0.00002; TOPMed 0.00002; 1000 Genomes Project 30x 0.00016; 1000 Genomes Project 0.00020.
gnomAD v4.1: 27 of 1,546,244 alleles (0.0017%); highest among the groups gnomAD compares: South Asian, 0.0048%; no homozygotes.

Submissions (2):

Labcorp Genetics (formerly Invitae), Labcorp
Classification: Uncertain significance. Last evaluated: 2026-02-02. Review status: criteria provided, single submitter. Criteria: Invitae Variant Classification Sherloc (09022015). Collection method: clinical testing. Allele origin: germline.
Comment: This sequence change replaces proline, which is neutral and non-polar, with leucine, which is neutral and non-polar, at codon 81 of the TCIRG1 protein (p.Pro81Leu). This variant is present in population databases (rs375348720, gnomAD 0.009%). This variant has not been reported in the literature in individuals affected with TCIRG1-related conditions. ClinVar contains an entry for this variant (Variation ID: 2173280). An algorithm developed to predict the effect of missense changes on protein structure and function outputs the following: PolyPhen-2: "Benign". The leucine amino acid residue is found in multiple mammalian species, which suggests that this missense change does not adversely affect protein function. In summary, the available evidence is currently insufficient to determine the role of this variant in disease. Therefore, it has been classified as a Variant of Uncertain Significance.

GeneDx
Classification: Uncertain significance. Last evaluated: 2023-12-19. Review status: criteria provided, single submitter. Criteria: GeneDx Variant Classification Process June 2021. Collection method: clinical testing. Allele origin: germline. Affected: yes.
Comment: In silico analysis supports that this missense variant does not alter protein structure/function; Has not been previously published as pathogenic or benign to our knowledge